The following is an entry in ClinVar:

ClinVar aggregate classification (germline): Conflicting classifications of pathogenicity. Review status: criteria provided, conflicting classifications (1 of 4 stars). 4 submissions from 4 submitters: Pathogenic (1); Uncertain significance (1). 2 of the submissions do not count toward it. Last evaluated 2022-06-03.

Conditions:
Intellectual developmental disorder, autosomal dominant 42. Also called: GNB1 Encephalopathy; Intellectual disability, autosomal dominant 42; Global developmental delay-neuro-ophthalmological abnormalities-seizures-intellectual disability syndrome. Identifiers: Orphanet 488613, MedGen C4310774, MONDO:0014855, OMIM 616973.
GNB1-related disorder. Also called: GNB1-related condition.

Submissions (4):

GeneDx
Classification: Pathogenic. Last evaluated: 2022-06-03. Review status: criteria provided, single submitter. Criteria: GeneDx Variant Classification Process June 2021. Collection method: clinical testing. Allele origin: germline. Affected: yes.
Comment: Not observed at significant frequency in large population cohorts (gnomAD); In silico analysis supports that this missense variant has a deleterious effect on protein structure/function; Has not been previously published as pathogenic or benign to our knowledge

Labcorp Genetics (formerly Invitae), Labcorp
Classification: Uncertain significance. Last evaluated: 2022-05-04. Review status: criteria provided, single submitter. Criteria: Invitae Variant Classification Sherloc (09022015). Collection method: clinical testing. Allele origin: germline.
Comment: In summary, the available evidence is currently insufficient to determine the role of this variant in disease. Therefore, it has been classified as a Variant of Uncertain Significance. This variant disrupts the p.Arg52 amino acid residue in GNB1. Other variant(s) that disrupt this residue have been determined to be pathogenic (PMID: 28087732). This suggests that this residue is clinically significant, and that variants that disrupt this residue are likely to be disease-causing. Algorithms developed to predict the effect of missense changes on protein structure and function (SIFT, PolyPhen-2, Align-GVGD) all suggest that this variant is likely to be disruptive. ClinVar contains an entry for this variant (Variation ID: 1326280). This variant has not been reported in the literature in individuals affected with GNB1-related conditions. This variant is not present in population databases (gnomAD no frequency). This sequence change replaces arginine, which is basic and polar, with tryptophan, which is neutral and slightly polar, at codon 52 of the GNB1 protein (p.Arg52Trp).

PreventionGenetics, part of Exact Sciences
Classification: Likely pathogenic for GNB1-related condition. Last evaluated: 2024-03-20. Review status: no assertion criteria provided. Collection method: clinical testing. Allele origin: germline. Not counted in ClinVar's aggregate classification.
Comment: The GNB1 c.154C>T variant is predicted to result in the amino acid substitution p.Arg52Trp. To our knowledge, this variant has not been reported in the literature or in a large population database, indicating this variant is rare. An alternative nucleotide change affecting the same amino acid (c.154C>G, Arg52Gly) has been reported in an individual with developmental delay, intellectual disability, cerebellar hypoplasia, ophthalmoplegia, nystagmus and ataxia (Table 1, Lohmann et al. 2017. PubMed ID: 28087732). In summary, the c.154C>T (p.Arg52Trp) variant is interpreted as likely pathogenic.

Cytogénomique, Hospices Civils de Lyon
Classification: Likely pathogenic for Intellectual developmental disorder, autosomal dominant 42. Review status: no assertion criteria provided. Collection method: clinical testing. Allele origin: de novo. Inheritance: Autosomal dominant inheritance. Affected: yes. Not counted in ClinVar's aggregate classification.

Literature cited by the submitters: PubMed 28087732 (cited by Labcorp Genetics (formerly Invitae), Labcorp).

NM_002074.5(GNB1):c.154C>T (p.Arg52Trp)

Gene: GNB1 (G protein subunit beta 1; minus strand). Cytogenetic location: 1p36.33.
Variant type: single nucleotide variant.
Coding change: c.154C>T on transcript NM_002074.5 (MANE Select); coding-DNA position 154, C replaced by T.
Protein change: p.Arg52Trp; replaces arginine 52 with tryptophan.
Molecular consequence: missense variant. On other transcripts: intron variant (1).
Genome position (GRCh38, 1-based): chr1:1,815,805, G>A on the plus strand (C>T on the coding strand, the complement: GNB1 is on the minus strand). VCF-style: chr1-1815805-G-A. GRCh37 (hg19) VCF-style: chr1-1747244-G-A.
Other names: c.154C>T, p.Arg52Trp (NM_001282539.2); c.-97-9267C>T (NM_001282538.2); short protein forms R52W.
Identifiers: ClinVar variation 1326280 (VCV001326280.8), dbSNP rs2100858748, ClinGen allele CA337919610.